The following is an entry in ClinVar:

NM_003816.3(ADAM9):c.256G>A (p.Asp86Asn)

Gene: ADAM9 (ADAM metallopeptidase domain 9; plus strand). Cytogenetic location: 8p11.22.
Variant type: single nucleotide variant.
Coding change: c.256G>A on transcript NM_003816.3 (MANE Select); coding-DNA position 256, G replaced by A.
Protein change: p.Asp86Asn; replaces aspartic acid 86 with asparagine.
Molecular consequence: missense variant. On other transcripts: non-coding transcript variant (3).
Genome position (GRCh38, 1-based): chr8:39,013,966, G>A. VCF-style: chr8-39013966-G-A. GRCh37 (hg19) VCF-style: chr8-38871485-G-A.
Other names: short protein forms D86N.
Identifiers: ClinVar variation 2127639 (VCV002127639.4), dbSNP rs2491969723, ClinGen allele CA370752294.

ClinVar aggregate classification (germline): Uncertain significance (1 of 4 stars; one submission).

Submission:

Labcorp Genetics (formerly Invitae), Labcorp
Classification: Uncertain significance. Last evaluated: 2022-09-27. Review status: criteria provided, single submitter. Criteria: Invitae Variant Classification Sherloc (09022015). Collection method: clinical testing. Allele origin: germline.
Comment: In summary, the available evidence is currently insufficient to determine the role of this variant in disease. Therefore, it has been classified as a Variant of Uncertain Significance. Algorithms developed to predict the effect of missense changes on protein structure and function (SIFT, PolyPhen-2, Align-GVGD) all suggest that this variant is likely to be tolerated. This variant has not been reported in the literature in individuals affected with ADAM9-related conditions. This variant is not present in population databases (gnomAD no frequency). This sequence change replaces aspartic acid, which is acidic and polar, with asparagine, which is neutral and polar, at codon 86 of the ADAM9 protein (p.Asp86Asn).